The following is an entry in ClinVar:

ClinVar aggregate classification (germline): Uncertain significance. Review status: criteria provided, multiple submitters, no conflicts (2 of 4 stars). 2 submissions from 2 submitters: Uncertain significance (2). Last evaluated 2024-12-18.

Conditions:
CYP24A1-related disorder. Also called: CYP24A1-related condition.
Hypercalcemia, infantile, 1 (HCINF1). Identifiers: Orphanet 300547, MedGen CN031131, MONDO:0020739, OMIM 143880.

Submissions (2):

PreventionGenetics, part of Exact Sciences
Classification: Uncertain significance for CYP24A1-related condition. Last evaluated: 2024-12-18. Review status: criteria provided, single submitter. Criteria: ACMG Guidelines, 2015. Collection method: clinical testing. Allele origin: germline.
Comment: The CYP24A1 c.1163C>T variant is predicted to result in the amino acid substitution p.Thr388Met. To our knowledge, this variant has not been reported in the literature. This variant is reported in 0.020% of alleles in individuals of African descent in gnomAD. At this time, the clinical significance of this variant is uncertain due to the absence of conclusive functional and genetic evidence.

Fulgent Genetics
Classification: Uncertain significance for Hypercalcemia, infantile, 1. Last evaluated: 2024-02-19. Review status: criteria provided, single submitter. Criteria: ACMG Guidelines, 2015. Collection method: clinical testing. Allele origin: germline.

NM_000782.5(CYP24A1):c.1163C>T (p.Thr388Met)

Gene: CYP24A1 (cytochrome P450 family 24 subfamily A member 1; minus strand). Cytogenetic location: 20q13.2.
Variant type: single nucleotide variant.
Coding change: c.1163C>T on transcript NM_000782.5 (MANE Select); coding-DNA position 1163, C replaced by T.
Protein change: p.Thr388Met; replaces threonine 388 with methionine.
Molecular consequence: missense variant.
Genome position (GRCh38, 1-based): chr20:54,158,159, G>A on the plus strand (C>T on the coding strand, the complement: CYP24A1 is on the minus strand). VCF-style: chr20-54158159-G-A. GRCh37 (hg19) VCF-style: chr20-52774698-G-A.
Other names: c.1163C>T (NM_000782.4); c.1163C>T, p.Thr388Met (NM_001128915.2, NM_001424340.1, NM_001424341.1 and 2 more transcripts); short protein forms T388M.
Identifiers: ClinVar variation 3587434 (VCV003587434.2).